The following is an entry in ClinVar:

NM_005188.4(CBL):c.1770G>T (p.Trp590Cys)

Gene: CBL (Cbl proto-oncogene; plus strand). Cytogenetic location: 11q23.3.
Variant type: single nucleotide variant.
Coding change: c.1770G>T on transcript NM_005188.4 (MANE Select); coding-DNA position 1770, G replaced by T.
Protein change: p.Trp590Cys; replaces tryptophan 590 with cysteine.
Molecular consequence: missense variant.
Genome position (GRCh38, 1-based): chr11:119,285,395, G>T. VCF-style: chr11-119285395-G-T. GRCh37 (hg19) VCF-style: chr11-119156105-G-T.
Other names: short protein forms W590C.
Identifiers: ClinVar variation 3996034 (VCV003996034.1).

ClinVar aggregate classification (germline): Uncertain significance (1 of 4 stars; one submission).

Conditions:
Cardiovascular phenotype. Identifiers: MedGen CN230736.

Submission:

Ambry Genetics
Classification: Uncertain significance for Cardiovascular phenotype. Last evaluated: 2025-04-29. Review status: criteria provided, single submitter. Criteria: Ambry Variant Classification Scheme 2023. Collection method: clinical testing. Allele origin: germline.
Comment: The p.W590C variant (also known as c.1770G>T), located in coding exon 11 of the CBL gene, results from a G to T substitution at nucleotide position 1770. The tryptophan at codon 590 is replaced by cysteine, an amino acid with highly dissimilar properties. This amino acid position is conserved. In addition, this alteration is predicted to be deleterious by in silico analysis. Based on the available evidence, the clinical significance of this variant remains unclear.